The following is an entry in ClinVar:

ClinVar aggregate classification (germline): Uncertain significance (1 of 4 stars; one submission).

gnomAD v4.1: 1 of 1,609,702 alleles (0.000062%); highest among the groups gnomAD compares: Non-Finnish European, 0.000085%; no homozygotes.

Submission:

GeneDx
Classification: Uncertain significance. Last evaluated: 2023-06-23. Review status: criteria provided, single submitter. Criteria: GeneDx Variant Classification Process June 2021. Collection method: clinical testing. Allele origin: germline. Affected: yes.
Comment: Not observed at significant frequency in large population cohorts (gnomAD); In silico analysis supports that this variant does not alter splicing; Has not been previously published as pathogenic or benign to our knowledge; Reported using an alternate transcript of the gene

NM_001377265.1(MAPT):c.901G>C (p.Glu301Gln)

Gene: MAPT (microtubule associated protein tau). Cytogenetic location: 17q21.31.
Variant type: single nucleotide variant.
Coding change: c.901G>C on transcript NM_001377265.1 (MANE Select); coding-DNA position 901, G replaced by C.
Protein change: p.Glu301Gln; replaces glutamic acid 301 with glutamine.
Molecular consequence: missense variant. On other transcripts: intron variant (8).
Genome position (GRCh38, 1-based): chr17:45,983,480, G>C. VCF-style: chr17-45983480-G-C. GRCh37 (hg19) VCF-style: chr17-44060846-G-C.
Other names: c.676G>C, p.Glu226Gln (NM_001123066.4, NM_016835.5); c.901G>C, p.Glu301Gln (NM_001377266.1); c.200-3560G>C (NM_001377268.1, NM_016834.5, NM_016841.5); c.374-3560G>C (NM_005910.6, NM_001203252.2); c.287-3560G>C (NM_001123067.4, NM_001203251.2, NM_001377267.1); short protein forms E226Q, E301Q.
Identifiers: ClinVar variation 3360110 (VCV003360110.1).